The following is an entry in ClinVar:

ClinVar aggregate classification (germline): Likely benign. Review status: criteria provided, multiple submitters, no conflicts (2 of 4 stars). 2 submissions from 2 submitters: Likely benign (2). Last evaluated 2025-10-24.

Conditions:
WIPF1-related disorder. Also called: WIPF1-related condition.
Wiskott-Aldrich syndrome 2 (WAS2). Also called: WIPF1 DEFICIENCY. Identifiers: Orphanet 906, MedGen C3281001, MONDO:0013779, OMIM 614493.

Allele frequency attached by ClinVar (database versions not stated): 1000 Genomes Project 0.00060; gnomAD 0.00066 and 0.00076; gnomAD exomes 0.00020; ExAC 0.00024; ESP Exome Variant Server 0.00054; TOPMed 0.00071.
gnomAD v4.1: 288 of 1,612,468 alleles (0.018%); highest among the groups gnomAD compares: African/African-American, 0.2%; no homozygotes.

Submissions (2):

PreventionGenetics, part of Exact Sciences
Classification: Likely benign for WIPF1-related condition. Last evaluated: 2025-10-24. Review status: criteria provided, single submitter. Criteria: ACMG Guidelines, 2015. Collection method: clinical testing. Allele origin: germline.
Comment: This variant is classified as likely benign based on ACMG/AMP sequence variant interpretation guidelines (Richards et al. 2015 PMID: 25741868, with internal and published modifications).

Labcorp Genetics (formerly Invitae), Labcorp
Classification: Likely benign for Wiskott-Aldrich syndrome 2. Last evaluated: 2025-09-02. Review status: criteria provided, single submitter. Criteria: Invitae Variant Classification Sherloc (09022015). Collection method: clinical testing. Allele origin: germline.

NM_001375834.1(WIPF1):c.32C>T (p.Pro11Leu)

Genes: WIPF1 (WAS/WASL interacting protein family member 1; minus strand), WIPF1-AS1 (WIPF1 and CHRNA1 antisense RNA 1; plus strand). Cytogenetic location: 2q31.1.
Variant type: single nucleotide variant.
Coding change: c.32C>T on transcript NM_001375834.1 (MANE Select); coding-DNA position 32, C replaced by T.
Protein change: p.Pro11Leu; replaces proline 11 with leucine.
Molecular consequence: missense variant.
Genome position (GRCh38, 1-based): chr2:174,585,542, G>A on the plus strand (C>T on the coding strand, the complement: WIPF1 is on the minus strand). VCF-style: chr2-174585542-G-A. GRCh37 (hg19) VCF-style: chr2-175450270-G-A.
Other names: c.32C>T, p.Pro11Leu (NM_001077269.1, NM_001375832.1, NM_001375833.1 and 6 more transcripts); short protein forms P11L.
Identifiers: ClinVar variation 800176 (VCV000800176.11), dbSNP rs148943760, ClinGen allele CA1974267.
Genomic context (GRCh38, chr2:174,585,542, plus strand): 5'-TTGCTTTATGCATAGAAAGTGTTTGGGGAGGAGACACTCACCAGTGCAAACGTCGGGGGC[G>A]GCGGGGGTGCTGGAGGGGGAGGGACAGGCATCTTGGGCAGTTATGCGTTCAACAGTCTTG-3'
Protein context (NP_001362763.1, residues 1-21): MPVPPPPAPP[Pro11Leu]PPTFALANTE